The following is an entry in ClinVar:

ClinVar aggregate classification (germline): Conflicting classifications of pathogenicity. Review status: criteria provided, conflicting classifications (1 of 4 stars). 5 submissions from 5 submitters: Likely pathogenic (3); Uncertain significance (1). 1 of the submissions does not count toward it. Last evaluated 2023-11-15.

Conditions:
Amyotrophic lateral sclerosis type 4 (ALS4). Also called: AMYOTROPHIC LATERAL SCLEROSIS 4, JUVENILE; NEURONOPATHY, DISTAL HEREDITARY MOTOR, WITH PYRAMIDAL FEATURES. Identifiers: Orphanet 357043, MedGen C1865409, MONDO:0011223, OMIM 602433.
Spinocerebellar ataxia, autosomal recessive, with axonal neuropathy 2 (SCAN2). Also called: Ataxia-ocular apraxia-2; ATAXIA-OCULOMOTOR APRAXIA 2; Ataxia with Oculomotor Apraxia; Ataxia with Oculomotor Apraxia Type 2. Identifiers: Orphanet 64753, MedGen C1853761, MONDO:0018996, OMIM 606002.

Allele frequency attached by ClinVar (database versions not stated): gnomAD exomes below 0.00001 and 0.00001; TOPMed below 0.00001; gnomAD 0.00001.

Submissions (5):

Labcorp Genetics (formerly Invitae), Labcorp
Classification: Uncertain significance for Amyotrophic lateral sclerosis type 4; Spinocerebellar ataxia, autosomal recessive, with axonal neuropathy 2. Last evaluated: 2023-11-15. Review status: criteria provided, single submitter. Criteria: Invitae Variant Classification Sherloc (09022015). Collection method: clinical testing. Allele origin: germline.
Comment: This sequence change replaces leucine, which is neutral and non-polar, with phenylalanine, which is neutral and non-polar, at codon 1977 of the SETX protein (p.Leu1977Phe). This variant is not present in population databases (gnomAD no frequency). This missense change has been observed in individuals with clinical features of spinocerebellar ataxia (PMID: 17159128, 19696032). ClinVar contains an entry for this variant (Variation ID: 2295). Advanced modeling of protein sequence and biophysical properties (such as structural, functional, and spatial information, amino acid conservation, physicochemical variation, residue mobility, and thermodynamic stability) performed at Invitae indicates that this missense variant is not expected to disrupt SETX protein function with a negative predictive value of 95%. Experimental studies have shown that this missense change affects SETX function (PMID: 25116135). In summary, the available evidence is currently insufficient to determine the role of this variant in disease. Therefore, it has been classified as a Variant of Uncertain Significance.

Genome-Nilou Lab
Classification: Likely pathogenic for Spinocerebellar ataxia, autosomal recessive, with axonal neuropathy 2. Last evaluated: 2023-02-08. Review status: criteria provided, single submitter. Criteria: ACMG Guidelines, 2015. Collection method: clinical testing. Allele origin: germline.

GeneDx
Classification: Likely pathogenic. Last evaluated: 2022-09-10. Review status: criteria provided, single submitter. Criteria: GeneDx Variant Classification Process June 2021. Collection method: clinical testing. Allele origin: germline. Affected: yes.
Comment: Not observed at significant frequency in large population cohorts (gnomAD); In silico analysis supports that this missense variant has a deleterious effect on protein structure/function; This variant is associated with the following publications: (PMID: 24760770, 25725227, 25116135, 23129421, 19697368, 33333218, 24393486, 19696032, 17159128, 26147798)

Athena Diagnostics
Classification: Likely pathogenic. Last evaluated: 2019-12-19. Review status: criteria provided, single submitter. Criteria: Athena Diagnostics Criteria. Collection method: clinical testing. Allele origin: unknown.
Comment: The frequency of this variant in the general population is consistent with pathogenicity. Found in at least one patient with expected phenotype for this gene. Predicted to have a damaging effect on the protein. Located in potentially critical domain of the protein. In multiple individuals, this variant has been seen with a single recessive pathogenic variant in the same gene, suggesting this variant may also be pathogenic.

OMIM
Classification: Pathogenic for SPINOCEREBELLAR ATAXIA, AUTOSOMAL RECESSIVE, WITH AXONAL NEUROPATHY 2. Last evaluated: 2006-12-12. Review status: no assertion criteria provided. Collection method: literature only. Allele origin: germline. Not counted in ClinVar's aggregate classification.

Literature cited by the submitters: PubMed 17159128 (cited by 3 submitters); PubMed 19696032 (cited by Labcorp Genetics (formerly Invitae), Labcorp and Athena Diagnostics); PubMed 25116135 (cited by Labcorp Genetics (formerly Invitae), Labcorp and Athena Diagnostics); PubMed 24760770 (cited by Athena Diagnostics).

NM_015046.7(SETX):c.5929C>T (p.Leu1977Phe)

Gene: SETX (senataxin; minus strand). Cytogenetic location: 9q34.13.
Variant type: single nucleotide variant.
Coding change: c.5929C>T on transcript NM_015046.7 (MANE Select); coding-DNA position 5929, C replaced by T.
Protein change: p.Leu1977Phe; replaces leucine 1977 with phenylalanine.
Molecular consequence: missense variant.
Genome position (GRCh38, 1-based): chr9:132,296,907, G>A on the plus strand (C>T on the coding strand, the complement: SETX is on the minus strand). VCF-style: chr9-132296907-G-A. GRCh37 (hg19) VCF-style: chr9-135172294-G-A.
Other names: c.5929C>T, p.Leu1977Phe (NM_001351527.2, NM_001351528.2); short protein forms L1977F.
Identifiers: ClinVar variation 2295 (VCV000002295.8), dbSNP rs121434380, ClinGen allele CA252191.
Genomic context (GRCh38, chr9:132,296,907, plus strand): 5'-ACAGCTAGTTAACAGCATCAGTGCCCTCACCCATACCTACCTCTGTCAGTAGACGATAGA[G>A]GAGGCCAACAATAGTTTTTGATTTTCCTGTTCCAGGTGGTCCATGAATCAAGCAGATTTT-3'
Protein context (NP_055861.3, residues 1967-1987): TGKSKTIVGL[Leu1977Phe]YRLLTENQRK